The following is an entry in ClinVar:

NM_000492.4(CFTR):c.2412A>T (p.Glu804Asp)

Gene: CFTR (CF transmembrane conductance regulator; plus strand). Cytogenetic location: 7q31.2.
Variant type: single nucleotide variant.
Coding change: c.2412A>T on transcript NM_000492.4 (MANE Select); coding-DNA position 2412, A replaced by T.
Protein change: p.Glu804Asp; replaces glutamic acid 804 with aspartic acid.
Molecular consequence: missense variant.
Genome position (GRCh38, 1-based): chr7:117,592,579, A>T. VCF-style: chr7-117592579-A-T. GRCh37 (hg19) VCF-style: chr7-117232633-A-T.
Other names: short protein forms E804D.
Identifiers: ClinVar variation 4868855 (VCV004868855.1).
Genomic context (GRCh38, chr7:117,592,579, plus strand): 5'-CCGAAAGACAACAGCATCCACACGAAAAGTGTCACTGGCCCCTCAGGCAAACTTGACTGA[A>T]CTGGATATATATTCAAGAAGGTTATCTCAAGAAACTGGCTTGGAAATAAGTGAAGAAATT-3'
Protein context (NP_000483.3, residues 794-814): VSLAPQANLT[Glu804Asp]LDIYSRRLSQ

ClinVar aggregate classification (germline): Uncertain significance (1 of 4 stars; one submission).

Conditions:
Cystic fibrosis (CF). Also called: MUCOVISCIDOSIS. Identifiers: Orphanet 586, MedGen C0010674, MONDO:0009061, OMIM 219700. Disease mechanism: loss of function.

Submission:

Ambry Genetics
Classification: Uncertain significance for Cystic fibrosis. Last evaluated: 2026-05-19. Review status: criteria provided, single submitter. Criteria: Ambry Variant Classification Scheme 2023. Collection method: clinical testing. Allele origin: germline.
Comment: The p.E804D variant (also known as c.2412A>T), located in coding exon 14 of the CFTR gene, results from an A to T substitution at nucleotide position 2412. The glutamic acid at codon 804 is replaced by aspartic acid, an amino acid with highly similar properties. This amino acid position is conserved. In addition, this alteration is predicted to be deleterious by in silico analysis. Based on the available evidence, the clinical significance of this variant remains unclear.